The following is an entry in ClinVar:

ClinVar aggregate classification (germline): Uncertain significance (1 of 4 stars; one submission).

gnomAD v4.1: 1 of 1,613,058 alleles (0.000062%); highest among the groups gnomAD compares: Non-Finnish European, 0.000085%; no homozygotes.

Submission:

Labcorp Genetics (formerly Invitae), Labcorp
Classification: Uncertain significance. Last evaluated: 2022-08-10. Review status: criteria provided, single submitter. Criteria: Invitae Variant Classification Sherloc (09022015). Collection method: clinical testing. Allele origin: germline.
Comment: In summary, the available evidence is currently insufficient to determine the role of this variant in disease. Therefore, it has been classified as a Variant of Uncertain Significance. Algorithms developed to predict the effect of missense changes on protein structure and function (SIFT, PolyPhen-2, Align-GVGD) all suggest that this variant is likely to be disruptive. ClinVar contains an entry for this variant (Variation ID: 1475427). This variant has not been reported in the literature in individuals affected with MYH14-related conditions. This variant is not present in population databases (gnomAD no frequency). This sequence change replaces alanine, which is neutral and non-polar, with threonine, which is neutral and polar, at codon 1588 of the MYH14 protein (p.Ala1588Thr).

NM_001145809.2(MYH14):c.4885G>A (p.Ala1629Thr)

Gene: MYH14 (myosin heavy chain 14; plus strand). Cytogenetic location: 19q13.33.
Variant type: single nucleotide variant.
Coding change: c.4885G>A on transcript NM_001145809.2 (MANE Select); coding-DNA position 4885, G replaced by A.
Protein change: p.Ala1629Thr; replaces alanine 1629 with threonine.
Molecular consequence: missense variant.
Genome position (GRCh38, 1-based): chr19:50,289,568, G>A. VCF-style: chr19-50289568-G-A. GRCh37 (hg19) VCF-style: chr19-50792825-G-A.
Other names: c.4786G>A, p.Ala1596Thr (NM_001077186.2); c.4762G>A, p.Ala1588Thr (NM_024729.4); short protein forms A1596T, A1629T, A1588T.
Identifiers: ClinVar variation 1475427 (VCV001475427.6), dbSNP rs754931173, ClinGen allele CA406960589.